The following is an entry in ClinVar:

NM_001267550.2(TTN):c.52004G>A (p.Arg17335His)

Genes: TTN (titin; minus strand), TTN-AS1 (TTN antisense RNA 1; plus strand). Cytogenetic location: 2q31.2.
Variant type: single nucleotide variant.
Coding change: c.52004G>A on transcript NM_001267550.2 (MANE Select); coding-DNA position 52004, G replaced by A.
Protein change: p.Arg17335His; replaces arginine 17335 with histidine.
Molecular consequence: missense variant.
Genome position (GRCh38, 1-based): chr2:178,609,306, C>T on the plus strand (G>A on the coding strand, the complement: TTN is on the minus strand). VCF-style: chr2-178609306-C-T. GRCh37 (hg19) VCF-style: chr2-179474033-C-T.
Other names: p.R15694H:CGC>CAC; c.24809G>A, p.Arg8270His (NM_003319.4); c.25184G>A, p.Arg8395His (NM_133432.3); c.25385G>A, p.Arg8462His (NM_133437.4); c.47081G>A, p.Arg15694His (NM_001256850.1); c.44300G>A, p.Arg14767His (NM_133378.4); short protein forms R17335H, R15694H, R14767H, R8270H, R8395H, R8462H.
Identifiers: ClinVar variation 195710 (VCV000195710.26), dbSNP rs367603302, ClinGen allele CA302842.

ClinVar aggregate classification (germline): Conflicting classifications of pathogenicity. Review status: criteria provided, conflicting classifications (1 of 4 stars). 8 submissions from 8 submitters: Uncertain significance (4); Likely benign (4). Last evaluated 2026-02-17.

Conditions:
TTN-related disorder. Also called: TTN-related condition; TTN-related disease; TTN-related disorders.
Cardiovascular phenotype. Identifiers: MedGen CN230736.
Dilated cardiomyopathy 1G (CMD1G). Identifiers: Orphanet 154, MedGen C1858763, MONDO:0011400, OMIM 604145.
Autosomal recessive limb-girdle muscular dystrophy type 2J (LGMDR10). Also called: Limb-girdle muscular dystrophy, type 2J; MUSCULAR DYSTROPHY, LIMB-GIRDLE, AUTOSOMAL RECESSIVE 10. Identifiers: Orphanet 140922, MedGen C1837342, MONDO:0012127, OMIM 608807.

Allele frequency attached by ClinVar (database versions not stated): ExAC 0.00006; gnomAD exomes 0.00008 and 0.00012; TOPMed 0.00017; ESP Exome Variant Server 0.00025; gnomAD 0.00026.
gnomAD v4.1: 139 of 1,605,200 alleles (0.0087%); highest among the groups gnomAD compares: African/African-American, 0.039%; no homozygotes.

Submissions (8):

PreventionGenetics, part of Exact Sciences
Classification: Uncertain significance for TTN-related condition. Last evaluated: 2026-02-17. Review status: criteria provided, single submitter. Criteria: ACMG Guidelines, 2015. Collection method: clinical testing. Allele origin: germline.
Comment: The TTN c.52004G>A variant is predicted to result in the amino acid substitution p.Arg17335His. To our knowledge, this variant has not been reported in the literature. This variant is reported in 0.11% of alleles in individuals of Ashkenazi Jewish descent in gnomAD. Although we suspect that this variant may be benign, at this time, the clinical significance of this variant is uncertain due to the absence of conclusive functional and genetic evidence.

Labcorp Genetics (formerly Invitae), Labcorp
Classification: Likely benign for Dilated cardiomyopathy 1G; Autosomal recessive limb-girdle muscular dystrophy type 2J. Last evaluated: 2026-02-03. Review status: criteria provided, single submitter. Criteria: Invitae Variant Classification Sherloc (09022015). Collection method: clinical testing. Allele origin: germline.

Molecular Diagnostic Laboratory for Inherited Cardiovascular Disease, Montreal Heart Institute
Classification: Likely benign. Last evaluated: 2025-04-09. Review status: criteria provided, single submitter. Criteria: ACMG Guidelines, 2015. Collection method: clinical testing. Allele origin: germline. Affected: no.

Mayo Clinic Laboratories, Mayo Clinic
Classification: Uncertain significance. Last evaluated: 2023-12-21. Review status: criteria provided, single submitter. Criteria: ACMG Guidelines, 2015. Collection method: clinical testing. Allele origin: germline. Observed: 1 variant allele.
Comment: BP4

Ambry Genetics
Classification: Likely benign for Cardiovascular phenotype. Last evaluated: 2020-08-26. Review status: criteria provided, single submitter. Criteria: Ambry Variant Classification Scheme 2023. Collection method: clinical testing. Allele origin: germline.

GeneDx
Classification: Likely benign. Last evaluated: 2019-06-17. Review status: criteria provided, single submitter. Criteria: GeneDx Variant Classification Process June 2021. Collection method: clinical testing. Allele origin: germline. Affected: yes.

Eurofins Ntd Llc (ga)
Classification: Uncertain significance. Last evaluated: 2015-09-14. Review status: criteria provided, single submitter. Criteria: EGL Classification Definitions 2015. Collection method: clinical testing. Allele origin: germline. Observed: 2 variant alleles, 2 heterozygotes.

Laboratory for Molecular Medicine, Mass General Brigham Personalized Medicine
Classification: Uncertain significance. Last evaluated: 2015-04-23. Review status: criteria provided, single submitter. Criteria: LMM Criteria. Collection method: clinical testing. Allele origin: germline. Observed: 2 variant alleles.
Comment: The p.Arg14767His variant in TTN has not been previously reported in individuals with cardiomyopathy, but has been identified in 4/9444 of African chromosomes b y the Exome Aggregation Consortium (ExAC; dbSNP rs367603302). Computational prediction tools and conservation analysis suggest t hat this variant may not impact the protein, though this information is not pred ictive enough to rule out pathogenicity. In summary, the clinical significance o f the p.Arg14767His variant is uncertain.